The following is an entry in ClinVar:

ClinVar aggregate classification (germline): Uncertain significance. Review status: criteria provided, multiple submitters, no conflicts (2 of 4 stars). 2 submissions from 2 submitters: Uncertain significance (2). Last evaluated 2021-10-19.

Allele frequency attached by ClinVar (database versions not stated): gnomAD 0.00001; gnomAD exomes 0.00001 and 0.00002; ExAC 0.00002; TOPMed 0.00002.
gnomAD v4.1: 13 of 1,613,972 alleles (0.00081%); highest among the groups gnomAD compares: East Asian, 0.013%; no homozygotes.

Submissions (2):

Ambry Genetics
Classification: Uncertain significance. Last evaluated: 2021-10-19. Review status: criteria provided, single submitter. Criteria: Ambry Variant Classification Scheme 2023. Collection method: clinical testing. Allele origin: germline.
Comment: The p.H519Y variant (also known as c.1555C>T), located in coding exon 13 of the IKBKAP gene, results from a C to T substitution at nucleotide position 1555. The histidine at codon 519 is replaced by tyrosine, an amino acid with similar properties. This amino acid position is conserved. In addition, this alteration is predicted to be tolerated by in silico analysis. Since supporting evidence is limited at this time, the clinical significance of this alteration remains unclear.

Labcorp Genetics (formerly Invitae), Labcorp
Classification: Uncertain significance. Last evaluated: 2021-08-27. Review status: criteria provided, single submitter. Criteria: Invitae Variant Classification Sherloc (09022015). Collection method: clinical testing. Allele origin: germline.
Comment: This sequence change replaces histidine with tyrosine at codon 519 of the ELP1 protein (p.His519Tyr). The histidine residue is weakly conserved and there is a moderate physicochemical difference between histidine and tyrosine. This variant is present in population databases (rs776729454, ExAC 0.02%). This variant has not been reported in the literature in individuals affected with ELP1-related conditions. Algorithms developed to predict the effect of missense changes on protein structure and function output the following: SIFT: "Tolerated"; PolyPhen-2: "Benign"; Align-GVGD: "Class C0". The tyrosine amino acid residue is found in multiple mammalian species, which suggests that this missense change does not adversely affect protein function. In summary, the available evidence is currently insufficient to determine the role of this variant in disease. Therefore, it has been classified as a Variant of Uncertain Significance.

NM_003640.5(ELP1):c.1555C>T (p.His519Tyr)

Gene: ELP1 (elongator acetyltransferase complex subunit 1; minus strand). Cytogenetic location: 9q31.3.
Variant type: single nucleotide variant.
Coding change: c.1555C>T on transcript NM_003640.5 (MANE Select); coding-DNA position 1555, C replaced by T.
Protein change: p.His519Tyr; replaces histidine 519 with tyrosine.
Molecular consequence: missense variant.
Genome position (GRCh38, 1-based): chr9:108,906,391, G>A on the plus strand (C>T on the coding strand, the complement: ELP1 is on the minus strand). VCF-style: chr9-108906391-G-A. GRCh37 (hg19) VCF-style: chr9-111668671-G-A.
Other names: c.1213C>T, p.His405Tyr (NM_001318360.2); c.508C>T, p.His170Tyr (NM_001330749.2); short protein forms H170Y, H519Y, H405Y.
Identifiers: ClinVar variation 966082 (VCV000966082.4), dbSNP rs776729454, ClinGen allele CA5174977.